The following is an entry in ClinVar:

ClinVar aggregate classification (germline): Uncertain significance (1 of 4 stars; one submission).

Conditions:
Kabuki syndrome. Also called: NIIKAWA-KUROKI SYNDROME; Kabuki make-up syndrome. Identifiers: Orphanet 2322, MedGen C0796004, MONDO:0016512.

gnomAD v4.1: 1 of 1,613,794 alleles (0.000062%); highest among the groups gnomAD compares: Non-Finnish European, 0.000085%; no homozygotes.

Submission:

Labcorp Genetics (formerly Invitae), Labcorp
Classification: Uncertain significance for Kabuki syndrome. Last evaluated: 2025-09-10. Review status: criteria provided, single submitter. Criteria: Invitae Variant Classification Sherloc (09022015). Collection method: clinical testing. Allele origin: germline.
Comment: This sequence change replaces threonine, which is neutral and polar, with alanine, which is neutral and non-polar, at codon 4043 of the KMT2D protein (p.Thr4043Ala). This variant is not present in population databases (gnomAD no frequency). This variant has not been reported in the literature in individuals affected with KMT2D-related conditions. Invitae Evidence Modeling of protein sequence and biophysical properties (such as structural, functional, and spatial information, amino acid conservation, physicochemical variation, residue mobility, and thermodynamic stability) indicates that this missense variant is not expected to disrupt KMT2D protein function with a negative predictive value of 95%. In summary, the available evidence is currently insufficient to determine the role of this variant in disease. Therefore, it has been classified as a Variant of Uncertain Significance.

NM_003482.4(KMT2D):c.12127A>G (p.Thr4043Ala)

Gene: KMT2D (lysine methyltransferase 2D; minus strand). Cytogenetic location: 12q13.12.
Variant type: single nucleotide variant.
Coding change: c.12127A>G on transcript NM_003482.4 (MANE Select); coding-DNA position 12127, A replaced by G.
Protein change: p.Thr4043Ala; replaces threonine 4043 with alanine.
Molecular consequence: missense variant.
Genome position (GRCh38, 1-based): chr12:49,032,578, T>C on the plus strand (A>G on the coding strand, the complement: KMT2D is on the minus strand). VCF-style: chr12-49032578-T-C. GRCh37 (hg19) VCF-style: chr12-49426361-T-C.
Other names: short protein forms T4043A.
Identifiers: ClinVar variation 4801199 (VCV004801199.1).
Genomic context (GRCh38, chr12:49,032,578, plus strand): 5'-CTGGTTCAGTGGCCATTGACTCAGGGGTAGTTCCTATTGCTAACGGCCCTCCCTGATGTG[T>C]AGAGGGCCCCTCAGTGGCCTCTGAAGAAACGGCTGGGTCTACGGTGTTTTGTTCCTTGCC-3'
Protein context (NP_003473.3, residues 4033-4053): VSSEATEGPS[Thr4043Ala]HQGGPLAIGT